The following is an entry in ClinVar:

ClinVar aggregate classification (germline): Conflicting classifications of pathogenicity. Review status: criteria provided, conflicting classifications (1 of 4 stars). 4 submissions from 4 submitters: Uncertain significance (1); Likely benign (3). Last evaluated 2026-01-22.

Conditions:
Immunodeficiency 35 (IMD35). Also called: HIES WITH ATYPICAL MYCOBACTERIOSIS, AUTOSOMAL RECESSIVE; HYPER-IgE SYNDROME WITH ATYPICAL MYCOBACTERIOSIS, AUTOSOMAL RECESSIVE; TYK2 DEFICIENCY; Susceptibility to infection due to TYK2 deficiency. Identifiers: Orphanet 331226, MedGen C1969086, MONDO:0012682, OMIM 611521.

Allele frequency attached by ClinVar (database versions not stated): ExAC 0.00031; gnomAD exomes 0.00033 and 0.00049; TOPMed 0.00034; gnomAD 0.00041; ESP Exome Variant Server 0.00046; 1000 Genomes Project 30x 0.00047; 1000 Genomes Project 0.00060.

Submissions (4):

Labcorp Genetics (formerly Invitae), Labcorp
Classification: Likely benign for Immunodeficiency 35. Last evaluated: 2026-01-22. Review status: criteria provided, single submitter. Criteria: Invitae Variant Classification Sherloc (09022015). Collection method: clinical testing. Allele origin: germline.

Blueprint Genetics
Classification: Likely benign. Last evaluated: 2024-11-22. Review status: criteria provided, single submitter. Criteria: ACMG Guidelines, 2015. Collection method: clinical testing. Allele origin: germline.

GeneDx
Classification: Likely benign. Last evaluated: 2018-01-19. Review status: criteria provided, single submitter. Criteria: GeneDx Variant Classification (06012015). Collection method: clinical testing. Allele origin: germline. Affected: yes.
Comment: This variant is considered likely benign or benign based on one or more of the following criteria: it is a conservative change, it occurs at a poorly conserved position in the protein, it is predicted to be benign by multiple in silico algorithms, and/or has population frequency not consistent with disease.

Illumina Laboratory Services, Illumina
Classification: Uncertain significance for Immunodeficiency 35. Last evaluated: 2018-01-12. Review status: criteria provided, single submitter. Criteria: ICSL Variant Classification Criteria 13 December 2019. Collection method: clinical testing. Allele origin: germline.

NM_003331.5(TYK2):c.193+14G>A

Gene: TYK2 (tyrosine kinase 2; minus strand). Cytogenetic location: 19p13.2.
Variant type: single nucleotide variant.
Coding change: c.193+14G>A on transcript NM_003331.5 (MANE Select); 14 bases into the intron after coding-DNA position 193, G replaced by A.
Molecular consequence: intron variant.
Genome position (GRCh38, 1-based): chr19:10,378,200, C>T on the plus strand (G>A on the coding strand, the complement: TYK2 is on the minus strand). VCF-style: chr19-10378200-C-T. GRCh37 (hg19) VCF-style: chr19-10488876-C-T.
Other names: c.193+14G>A (LRG_121t1).
Identifiers: ClinVar variation 327960 (VCV000327960.15), dbSNP rs199931972, ClinGen allele CA9193869.